The following is an entry in ClinVar:

NM_000222.3(KIT):c.16G>A (p.Gly6Ser)

Gene: KIT (KIT proto-oncogene, receptor tyrosine kinase; plus strand). Cytogenetic location: 4q12.
Variant type: single nucleotide variant.
Coding change: c.16G>A on transcript NM_000222.3 (MANE Select); coding-DNA position 16, G replaced by A.
Protein change: p.Gly6Ser; replaces glycine 6 with serine.
Molecular consequence: missense variant.
Genome position (GRCh38, 1-based): chr4:54,658,030, G>A. VCF-style: chr4-54658030-G-A. GRCh37 (hg19) VCF-style: chr4-55524197-G-A.
Other names: c.16G>A, p.Gly6Ser (NM_001093772.2, NM_001385284.1, NM_001385285.1 and 4 more transcripts); short protein forms G6S.
Identifiers: ClinVar variation 2878800 (VCV002878800.3), dbSNP rs1716939806, ClinGen allele CA356897866.

ClinVar aggregate classification (germline): Uncertain significance (1 of 4 stars; one submission).

Conditions:
Gastrointestinal stromal tumor. Also called: Gastrointestinal stromal tumor, somatic; Gastrointestinal stroma tumor. Identifiers: Orphanet 44890, MedGen C0238198, MeSH D046152, MONDO:0011719, OMIM 606764, HP:0100723.

Allele frequency attached by ClinVar (database versions not stated): TOPMed 0.00001.

Submission:

Labcorp Genetics (formerly Invitae), Labcorp
Classification: Uncertain significance for Gastrointestinal stromal tumor. Last evaluated: 2023-06-05. Review status: criteria provided, single submitter. Criteria: Invitae Variant Classification Sherloc (09022015). Collection method: clinical testing. Allele origin: germline.
Comment: In summary, the available evidence is currently insufficient to determine the role of this variant in disease. Therefore, it has been classified as a Variant of Uncertain Significance. Algorithms developed to predict the effect of missense changes on protein structure and function output the following: SIFT: "Not Available"; PolyPhen-2: "Benign"; Align-GVGD: "Not Available". The serine amino acid residue is found in multiple mammalian species, which suggests that this missense change does not adversely affect protein function. This variant has not been reported in the literature in individuals affected with KIT-related conditions. This variant is not present in population databases (gnomAD no frequency). This sequence change replaces glycine, which is neutral and non-polar, with serine, which is neutral and polar, at codon 6 of the KIT protein (p.Gly6Ser).